The following is an entry in ClinVar:

ClinVar aggregate classification (germline): Conflicting classifications of pathogenicity. Review status: criteria provided, conflicting classifications (1 of 4 stars). 8 submissions from 8 submitters: Uncertain significance (1); Benign (2); Likely benign (5). Last evaluated 2026-02-03.

Conditions:
Cardiovascular phenotype. Identifiers: MedGen CN230736.
Long QT syndrome (LQTS). Identifiers: MedGen C0023976, MeSH D008133, MONDO:0002442. Disease mechanism: loss of function. Inheritance: Various modes of inheritance.

Allele frequency attached by ClinVar (database versions not stated): gnomAD exomes 0.00003 and 0.00011; ExAC 0.00015; gnomAD 0.00025 and 0.00026; TOPMed 0.00036; ESP Exome Variant Server 0.00062; 1000 Genomes Project 0.00100; 1000 Genomes Project 30x 0.00109.
gnomAD v4.1: 89 of 1,613,346 alleles (0.0055%); highest among the groups gnomAD compares: African/African-American, 0.097%; no homozygotes.

Submissions (8):

Labcorp Genetics (formerly Invitae), Labcorp
Classification: Benign for Long QT syndrome. Last evaluated: 2026-02-03. Review status: criteria provided, single submitter. Criteria: Invitae Variant Classification Sherloc (09022015). Collection method: clinical testing. Allele origin: germline.

CeGaT Center for Human Genetics Tuebingen
Classification: Likely benign. Last evaluated: 2026-02-01. Review status: criteria provided, single submitter. Criteria: CeGaT Center For Human Genetics Tuebingen Variant Classification Criteria Version 2. Collection method: clinical testing. Allele origin: germline. Affected: yes. Observed: 1 variant allele.
Comment: CACNA1C: BP4, BP7

Molecular Diagnostic Laboratory for Inherited Cardiovascular Disease, Montreal Heart Institute
Classification: Likely benign. Last evaluated: 2025-04-09. Review status: criteria provided, single submitter. Criteria: ACMG Guidelines, 2015. Collection method: clinical testing. Allele origin: germline. Affected: no.

Women's Health and Genetics/Laboratory Corporation of America, LabCorp
Classification: Benign. Last evaluated: 2023-04-10. Review status: criteria provided, single submitter. Criteria: LabCorp Variant Classification Summary - May 2015. Collection method: clinical testing. Allele origin: germline.

Ambry Genetics
Classification: Likely benign for Cardiovascular phenotype. Last evaluated: 2017-12-27. Review status: criteria provided, single submitter. Criteria: Ambry Variant Classification Scheme 2023. Collection method: clinical testing. Allele origin: germline.

Eurofins Ntd Llc (ga)
Classification: Uncertain significance. Last evaluated: 2016-07-14. Review status: criteria provided, single submitter. Criteria: EGL Classification Definitions 2015. Collection method: clinical testing. Allele origin: germline. Observed: 1 variant allele, 1 heterozygote.

GeneDx
Classification: Likely benign. Last evaluated: 2016-02-11. Review status: criteria provided, single submitter. Criteria: GeneDx Variant Classification (06012015). Collection method: clinical testing. Allele origin: germline. Affected: yes.
Comment: This variant is considered likely benign or benign based on one or more of the following criteria: it is a conservative change, it occurs at a poorly conserved position in the protein, it is predicted to be benign by multiple in silico algorithms, and/or has population frequency not consistent with disease.

PreventionGenetics, part of Exact Sciences
Classification: Likely benign. Review status: criteria provided, single submitter. Criteria: ACMG Guidelines, 2015. Collection method: clinical testing. Allele origin: germline.

NM_000719.7(CACNA1C):c.3747C>T (p.Ile1249=)

Gene: CACNA1C (calcium voltage-gated channel subunit alpha1 C; plus strand). Cytogenetic location: 12p13.33.
Variant type: single nucleotide variant.
Coding change: c.3747C>T on transcript NM_000719.7 (MANE Select); coding-DNA position 3747, C replaced by T.
Protein change: p.Ile1249=; no amino-acid change (isoleucine 1249 retained).
Molecular consequence: synonymous variant.
Genome position (GRCh38, 1-based): chr12:2,611,932, C>T. VCF-style: chr12-2611932-C-T. GRCh37 (hg19) VCF-style: chr12-2721098-C-T.
Other names: c.3807C>T (NM_199460.3); c.3807C>T, p.Ile1269= (NM_001129827.2, NM_001129832.2, NM_199460.4); c.3747C>T, p.Ile1249= (NM_001129829.2, NM_001129830.3, NM_001129831.2 and 15 more transcripts); c.3738C>T, p.Ile1246= (NM_001129844.2).
Identifiers: ClinVar variation 256766 (VCV000256766.25), dbSNP rs370576211, ClinGen allele CA6389304.
Genomic context (GRCh38, chr12:2,611,932, plus strand): 5'-TGTTCACAGCTCCTCCCCTCTCCTGATGCAGCACTACGGCCAGAGCTGCCTGTTCAAAAT[C>T]GCCATGAACATCCTCAACATGCTCTTCACTGGCCTCTTCACCGTGGAGATGATCCTGAAG-3'
Protein context (NP_000710.5, residues 1239-1259): QHYGQSCLFK[Ile1249=]AMNILNMLFT